The following is an entry in ClinVar:

ClinVar aggregate classification (germline): Benign/Likely benign. Review status: criteria provided, multiple submitters, no conflicts (2 of 4 stars). 4 submissions from 4 submitters: Benign (1); Likely benign (3). Last evaluated 2026-01-25.

Conditions:
Congenital lactic acidosis, Saguenay-Lac-Saint-Jean type (MC4DN5). Also called: CYTOCHROME c OXIDASE DEFICIENCY, FRENCH CANADIAN TYPE; COX DEFICIENCY, FRENCH CANADIAN TYPE; MITOCHONDRIAL COMPLEX IV DEFICIENCY, NUCLEAR TYPE 5. Identifiers: Orphanet 70472, MedGen C1857355, MONDO:0009069, OMIM 220111.

Allele frequency attached by ClinVar (database versions not stated): ESP Exome Variant Server 0.00269; TOPMed 0.00296; 1000 Genomes Project 0.00339; 1000 Genomes Project 30x 0.00359.
gnomAD v4.1: 775 of 1,611,722 alleles (0.048%); highest among the groups gnomAD compares: African/African-American, 0.89%; 9 homozygotes.

Submissions (4):

Labcorp Genetics (formerly Invitae), Labcorp
Classification: Benign. Last evaluated: 2026-01-25. Review status: criteria provided, single submitter. Criteria: Invitae Variant Classification Sherloc (09022015). Collection method: clinical testing. Allele origin: germline.

Blueprint Genetics
Classification: Likely benign. Last evaluated: 2024-08-06. Review status: criteria provided, single submitter. Criteria: ACMG Guidelines, 2015. Collection method: clinical testing. Allele origin: germline.

GeneDx
Classification: Likely benign. Last evaluated: 2018-01-19. Review status: criteria provided, single submitter. Criteria: GeneDx Variant Classification (06012015). Collection method: clinical testing. Allele origin: germline. Affected: yes.
Comment: This variant is considered likely benign or benign based on one or more of the following criteria: it is a conservative change, it occurs at a poorly conserved position in the protein, it is predicted to be benign by multiple in silico algorithms, and/or has population frequency not consistent with disease.

Illumina Laboratory Services, Illumina
Classification: Likely benign for Congenital lactic acidosis, Saguenay-Lac-Saint-Jean type. Last evaluated: 2018-01-12. Review status: criteria provided, single submitter. Criteria: ICSL Variant Classification Criteria 13 December 2019. Collection method: clinical testing. Allele origin: germline.
Comment: This variant was observed in the ICSL laboratory as part of a predisposition screen in an ostensibly healthy population. It had not been previously curated by ICSL or reported in the Human Gene Mutation Database (HGMD: prior to June 1st, 2018), and was therefore a candidate for classification through an automated scoring system. Utilizing variant allele frequency, disease prevalence and penetrance estimates, and inheritance mode, an automated score was calculated to assess if this variant is too frequent to cause the disease. Based on the score and internal cut-off values, a variant classified as likely benign is not then subjected to further curation. The score for this variant resulted in a classification of likely benign for this disease.

NM_133259.4(LRPPRC):c.864+11T>G

Gene: LRPPRC (leucine rich pentatricopeptide repeat containing; minus strand). Cytogenetic location: 2p21.
Variant type: single nucleotide variant.
Coding change: c.864+11T>G on transcript NM_133259.4 (MANE Select); 11 bases into the intron after coding-DNA position 864, T replaced by G.
Molecular consequence: intron variant.
Genome position (GRCh38, 1-based): chr2:43,975,080, A>C on the plus strand (T>G on the coding strand, the complement: LRPPRC is on the minus strand). VCF-style: chr2-43975080-A-C. GRCh37 (hg19) VCF-style: chr2-44202219-A-C.
Identifiers: ClinVar variation 378096 (VCV000378096.13), dbSNP rs193090896, ClinGen allele CA1639196.